The following is an entry in ClinVar:

NM_001035.3(RYR2):c.6233C>T (p.Pro2078Leu)

Gene: RYR2 (ryanodine receptor 2; plus strand). Cytogenetic location: 1q43.
Variant type: single nucleotide variant.
Coding change: c.6233C>T on transcript NM_001035.3 (MANE Select); coding-DNA position 6233, C replaced by T.
Protein change: p.Pro2078Leu; replaces proline 2078 with leucine.
Molecular consequence: missense variant.
Genome position (GRCh38, 1-based): chr1:237,627,873, C>T. VCF-style: chr1-237627873-C-T. GRCh37 (hg19) VCF-style: chr1-237791173-C-T.
Other names: c.6233C>T (NM_001035.2); short protein forms P2078L.
Identifiers: ClinVar variation 925494 (VCV000925494.10), dbSNP rs1158268722, ClinGen allele CA345410625.

ClinVar aggregate classification (germline): Uncertain significance. Review status: criteria provided, multiple submitters, no conflicts (2 of 4 stars). 5 submissions from 5 submitters: Uncertain significance (5). Last evaluated 2024-04-25.

Conditions:
Cardiovascular phenotype. Identifiers: MedGen CN230736.
Arrhythmogenic right ventricular dysplasia 2. Identifiers: MedGen C1832931.
Catecholaminergic polymorphic ventricular tachycardia 1. Also called: VENTRICULAR TACHYCARDIA, CATECHOLAMINERGIC POLYMORPHIC, 1, WITH OR WITHOUT ATRIAL DYSFUNCTION AND/OR DILATED CARDIOMYOPATHY; RYR2-Related Catecholaminergic Polymorphic Ventricular Tachycardia; VENTRICULAR TACHYCARDIA, STRESS-INDUCED POLYMORPHIC 1. Identifiers: Orphanet 3286, MedGen C1631597, MONDO:0011484, OMIM 604772.
Ventricular arrhythmias due to cardiac ryanodine receptor calcium release deficiency syndrome. Also called: Autosomal dominant cardiac arrhythmia (Kuhn). Identifiers: MedGen C5542154, MONDO:0020745, OMIM 115000.
Catecholaminergic polymorphic ventricular tachycardia (CVPT). Also called: Catecholamine-induced polymorphic ventricular tachycardia. Identifiers: Orphanet 3286, MedGen C5574922, MONDO:0017990.
Cardiomyopathy (CMYO). Also called: Cardiomyopathies. Identifiers: Orphanet 167848, MedGen C0878544, MONDO:0004994, HP:0001638. Inheritance: Various modes of inheritance.

Allele frequency attached by ClinVar (database versions not stated): gnomAD 0.00001; gnomAD exomes 0.00001; TOPMed 0.00001.
gnomAD v4.1: 11 of 1,613,506 alleles (0.00068%); highest among the groups gnomAD compares: Non-Finnish European, 0.00093%; no homozygotes.

Submissions (5):

All of Us Research Program, National Institutes of Health
Classification: Uncertain significance for Catecholaminergic polymorphic ventricular tachycardia. Last evaluated: 2024-04-25. Review status: criteria provided, single submitter. Criteria: ACMG Guidelines, 2015. Collection method: clinical testing. Allele origin: germline. Inheritance: Autosomal dominant inheritance. Observed: 2 variant alleles, 2 heterozygotes.
Comment: This variant is located in the RYR2 protein. Computational prediction suggests that this variant may have deleterious impact on protein structure and function (internally defined REVEL score threshold >= 0.7, PMID: 27666373). To our knowledge, functional studies have not been reported for this variant. This variant has not been reported in individuals affected with cardiovascular disorders in the literature. This variant has not been identified in the general population by the Genome Aggregation Database (gnomAD). The available evidence is insufficient to determine the role of this variant in disease conclusively. Therefore, this variant is classified as a Variant of Uncertain Significance.

This study involves interpretation of variants in research participants for the purpose of population health screening. Participant phenotype was not available at the time of variant classification. Additional details can be found in publication PMID: 35346344, PMCID: PMC8962531

Color Diagnostics, LLC DBA Color Health
Classification: Uncertain significance for Cardiomyopathy. Last evaluated: 2024-03-06. Review status: criteria provided, single submitter. Criteria: ACMG Guidelines, 2015. Collection method: clinical testing. Allele origin: germline.
Comment: This variant replaces proline with leucine at codon 2078 in the RYR2 protein. Computational prediction suggests that this variant may have deleterious impact on protein structure and function. To our knowledge, functional studies have not been reported for this variant. This variant has not been reported in individuals affected with cardiovascular disorders in the literature. This variant has not been identified in the general population by the Genome Aggregation Database (gnomAD). The available evidence is insufficient to determine the role of this variant in disease conclusively. Therefore, this variant is classified as a Variant of Uncertain Significance.

GeneDx
Classification: Uncertain significance. Last evaluated: 2024-02-23. Review status: criteria provided, single submitter. Criteria: GeneDx Variant Classification Process June 2021. Collection method: clinical testing. Allele origin: germline. Affected: yes.
Comment: Has not been previously published as pathogenic or benign to our knowledge; Not observed at significant frequency in large population cohorts (gnomAD); Not located in one of the three hot-spot regions of the RYR2 gene, where the majority of pathogenic missense variants occur (PMID: 19926015); In silico analysis supports that this missense variant has a deleterious effect on protein structure/function; This variant is associated with the following publications: (PMID: 19926015)

Ambry Genetics
Classification: Uncertain significance for Cardiovascular phenotype. Last evaluated: 2022-06-06. Review status: criteria provided, single submitter. Criteria: Ambry Variant Classification Scheme 2023. Collection method: clinical testing. Allele origin: germline.
Comment: The p.P2078L variant (also known as c.6233C>T), located in coding exon 41 of the RYR2 gene, results from a C to T substitution at nucleotide position 6233. The proline at codon 2078 is replaced by leucine, an amino acid with similar properties. This amino acid position is highly conserved in available vertebrate species. In addition, this alteration is predicted to be deleterious by in silico analysis. Since supporting evidence is limited at this time, the clinical significance of this alteration remains unclear.

Fulgent Genetics
Classification: Uncertain significance for Ventricular arrhythmias due to cardiac ryanodine receptor calcium release deficiency syndrome; Catecholaminergic polymorphic ventricular tachycardia 1. Last evaluated: 2022-02-17. Review status: criteria provided, single submitter. Criteria: ACMG Guidelines, 2015. Collection method: clinical testing. Allele origin: unknown.